The following is an entry in ClinVar:

ClinVar aggregate classification (germline): Uncertain significance (1 of 4 stars; one submission).

Conditions:
3-Methylglutaconic aciduria type 2 (BTHS). Also called: CARDIOSKELETAL MYOPATHY WITH NEUTROPENIA AND ABNORMAL MITOCHONDRIA; Barth syndrome. Identifiers: Orphanet 111, MedGen C0574083, MONDO:0010543, OMIM 302060.

Submission:

Labcorp Genetics (formerly Invitae), Labcorp
Classification: Uncertain significance for 3-Methylglutaconic aciduria type 2. Last evaluated: 2025-04-28. Review status: criteria provided, single submitter. Criteria: Invitae Variant Classification Sherloc (09022015). Collection method: clinical testing. Allele origin: germline.
Comment: This sequence change replaces proline, which is neutral and non-polar, with leucine, which is neutral and non-polar, at codon 14 of the TAZ protein (p.Pro14Leu). This variant is not present in population databases (gnomAD no frequency). This variant has not been reported in the literature in individuals affected with TAZ-related conditions. An algorithm developed to predict the effect of missense changes on protein structure and function (PolyPhen-2) suggests that this variant is likely to be tolerated. In summary, the available evidence is currently insufficient to determine the role of this variant in disease. Therefore, it has been classified as a Variant of Uncertain Significance.

NM_000116.5(TAFAZZIN):c.41C>T (p.Pro14Leu)

Genes: DNASE1L1 (deoxyribonuclease 1 like 1; minus strand), TAFAZZIN (tafazzin, phospholipid-lysophospholipid transacylase; plus strand), LOC130068869 (ATAC-STARR-seq lymphoblastoid silent region 21101; plus strand). Cytogenetic location: Xq28.
Variant type: single nucleotide variant.
Coding change: c.41C>T on transcript NM_000116.5 (MANE Select); coding-DNA position 41, C replaced by T.
Protein change: p.Pro14Leu; replaces proline 14 with leucine.
Molecular consequence: missense variant. On other transcripts: intron variant (3), non-coding transcript variant (1).
Genome position (GRCh38, 1-based): chrX:154,411,884, C>T. VCF-style: chrX-154411884-C-T. GRCh37 (hg19) VCF-style: chrX-153640221-C-T.
Other names: c.-173+7G>A (NM_001009933.3); c.-431+7G>A (NM_001009932.3); c.41C>T, p.Pro14Leu (NM_001303465.2, NM_001410698.1, NM_001440856.1 and 5 more transcripts); c.-88+7G>A (NM_001009934.3); short protein forms P14L.
Identifiers: ClinVar variation 4718195 (VCV004718195.1).